The following is an entry in ClinVar:

NM_001173393.3(HAVCR1):c.555A>G (p.Ser185=)

Gene: HAVCR1 (hepatitis A virus cellular receptor 1; minus strand). Cytogenetic location: 5q33.3.
Variant type: single nucleotide variant.
Coding change: c.555A>G on transcript NM_001173393.3 (MANE Select); coding-DNA position 555, A replaced by G.
Protein change: p.Ser185=; no amino-acid change (serine 185 retained).
Molecular consequence: synonymous variant.
Genome position (GRCh38, 1-based): chr5:157,052,479, T>C on the plus strand (A>G on the coding strand, the complement: HAVCR1 is on the minus strand). VCF-style: chr5-157052479-T-C. GRCh37 (hg19) VCF-style: chr5-156479490-T-C.
Other names: c.555A>G, p.Ser185= (NM_001308156.2, NM_012206.3).
Identifiers: ClinVar variation 2655986 (VCV002655986.24), dbSNP rs201566425, ClinGen allele CA3531554.

ClinVar aggregate classification (germline): Likely benign (1 of 4 stars; one submission).

Allele frequency attached by ClinVar (database versions not stated): TOPMed 0.00028; gnomAD exomes 0.00032; ExAC 0.00034; gnomAD 0.00040; ESP Exome Variant Server 0.00047.
gnomAD v4.1: 511 of 1,603,132 alleles (0.032%); highest among the groups gnomAD compares: Non-Finnish European, 0.037%; 1 homozygote.

Submission:

CeGaT Center for Human Genetics Tuebingen
Classification: Likely benign. Last evaluated: 2023-03-01. Review status: criteria provided, single submitter. Criteria: CeGaT Center For Human Genetics Tuebingen Variant Classification Criteria Version 2. Collection method: clinical testing. Allele origin: germline. Affected: yes. Observed: 1 variant allele.
Comment: HAVCR1: BP4, BP7